The following is an entry in ClinVar:

NM_001370298.3(FGD4):c.1024C>T (p.Gln342Ter)

Gene: FGD4 (FYVE, RhoGEF and PH domain containing 4; plus strand). Cytogenetic location: 12p11.21.
Variant type: single nucleotide variant.
Coding change: c.1024C>T on transcript NM_001370298.3 (MANE Select); coding-DNA position 1024, C replaced by T.
Protein change: p.Gln342Ter; replaces glutamine 342 with a stop codon.
Molecular consequence: nonsense. On other transcripts: 5 prime UTR variant (2).
Genome position (GRCh38, 1-based): chr12:32,598,509, C>T. VCF-style: chr12-32598509-C-T. GRCh37 (hg19) VCF-style: chr12-32751443-C-T.
Other names: c.868C>T, p.Gln290Ter (NM_001304481.2); c.-232C>T (NM_001304483.2); c.-539C>T (NM_001304484.2); c.334C>T, p.Gln112Ter (NM_001330373.2, NM_001330374.2, NM_001384130.1); c.61C>T, p.Gln21Ter (NM_001370297.1); c.1024C>T, p.Gln342Ter (NM_001384126.1); c.613C>T, p.Gln205Ter (NM_001384127.1, NM_001384128.1, NM_001385118.1 and 1 more transcripts); short protein forms Q205*, Q290*, Q21*, Q112*, Q342*.
Identifiers: ClinVar variation 836490 (VCV000836490.7), dbSNP rs201676628, ClinGen allele CA384357037.

ClinVar aggregate classification (germline): Pathogenic (1 of 4 stars; one submission).

Conditions:
Charcot-Marie-Tooth disease type 4. Also called: Charcot-Marie-Tooth disease, type IV; Charcot-Marie-Tooth, Type 4. Identifiers: Orphanet 64749, MedGen C4082197, MONDO:0018995.

Allele frequency attached by ClinVar (database versions not stated): TOPMed 0.00002.

Submission:

Labcorp Genetics (formerly Invitae), Labcorp
Classification: Pathogenic for Charcot-Marie-Tooth disease type 4. Last evaluated: 2019-04-11. Review status: criteria provided, single submitter. Criteria: Invitae Variant Classification Sherloc (09022015). Collection method: clinical testing. Allele origin: germline.
Comment: This sequence change creates a premature translational stop signal (p.Gln205*) in the FGD4 gene. It is expected to result in an absent or disrupted protein product. This variant is not present in population databases (ExAC no frequency). This variant has not been reported in the literature in individuals with FGD4-related conditions. Loss-of-function variants in FGD4 are known to be pathogenic (PMID: 17564972). For these reasons, this variant has been classified as Pathogenic.

Literature cited by the submitters: PubMed 17564972.